The following is an entry in ClinVar:

ClinVar aggregate classification (germline): Uncertain significance. Review status: criteria provided, multiple submitters, no conflicts (2 of 4 stars). 2 submissions from 2 submitters: Uncertain significance (2). Last evaluated 2025-07-27.

Conditions:
Hereditary cancer-predisposing syndrome. Also called: Hereditary Cancer Syndrome; Tumor predisposition; Hereditary neoplastic syndrome; Neoplastic Syndromes, Hereditary. Identifiers: Orphanet 140162, MedGen C0027672, MeSH D009386, MONDO:0015356.
EGFR-related lung cancer (EGFR). Identifiers: MedGen CN130014.

Allele frequency attached by ClinVar (database versions not stated): gnomAD exomes below 0.00001 and 0.00001; ExAC 0.00001; gnomAD 0.00003; TOPMed 0.00003.
gnomAD v4.1: 6 of 1,613,858 alleles (0.00037%); highest among the groups gnomAD compares: East Asian, 0.0045%; no homozygotes.

Submissions (2):

Labcorp Genetics (formerly Invitae), Labcorp
Classification: Uncertain significance for EGFR-related lung cancer. Last evaluated: 2025-07-27. Review status: criteria provided, single submitter. Criteria: Invitae Variant Classification Sherloc (09022015). Collection method: clinical testing. Allele origin: germline.
Comment: This sequence change replaces isoleucine, which is neutral and non-polar, with threonine, which is neutral and polar, at codon 167 of the EGFR protein (p.Ile167Thr). This variant is present in population databases (rs765416003, gnomAD 0.007%). This variant has not been reported in the literature in individuals affected with EGFR-related conditions. ClinVar contains an entry for this variant (Variation ID: 1045062). An algorithm developed to predict the effect of missense changes on protein structure and function (PolyPhen-2) suggests that this variant is likely to be disruptive. In summary, the available evidence is currently insufficient to determine the role of this variant in disease. Therefore, it has been classified as a Variant of Uncertain Significance.

Ambry Genetics
Classification: Uncertain significance for Hereditary cancer-predisposing syndrome. Last evaluated: 2025-03-27. Review status: criteria provided, single submitter. Criteria: Ambry Variant Classification Scheme 2023. Collection method: clinical testing. Allele origin: germline.
Comment: The p.I167T variant (also known as c.500T>C), located in coding exon 4 of the EGFR gene, results from a T to C substitution at nucleotide position 500. The isoleucine at codon 167 is replaced by threonine, an amino acid with similar properties. This amino acid position is highly conserved in available vertebrate species. In addition, this alteration is predicted to be deleterious by in silico analysis. Based on the available evidence, the clinical significance of this variant remains unclear.

NM_005228.5(EGFR):c.500T>C (p.Ile167Thr)

Gene: EGFR (epidermal growth factor receptor; plus strand). Cytogenetic location: 7p11.2.
Variant type: single nucleotide variant.
Coding change: c.500T>C on transcript NM_005228.5 (MANE Select); coding-DNA position 500, T replaced by C.
Protein change: p.Ile167Thr; replaces isoleucine 167 with threonine.
Molecular consequence: missense variant. On other transcripts: intron variant (3).
Genome position (GRCh38, 1-based): chr7:55,146,681, T>C. VCF-style: chr7-55146681-T-C. GRCh37 (hg19) VCF-style: chr7-55214374-T-C.
Other names: c.500T>C, p.Ile167Thr (NM_001346898.2, NM_201282.2, NM_201283.2 and 1 more transcripts); c.341T>C, p.Ile114Thr (NM_001346900.2); c.424+3193T>C (NM_001346899.2, NM_001346897.2); c.89-9149T>C (NM_001346941.2); c.500T>C (NM_005228.3); short protein forms I114T, I167T.
Identifiers: ClinVar variation 1045062 (VCV001045062.9), dbSNP rs765416003, ClinGen allele CA4265232.